The following is an entry in ClinVar:

NM_172362.3(KCNH1):c.457C>T (p.Arg153Trp)

Gene: KCNH1 (potassium voltage-gated channel subfamily H member 1; minus strand). Cytogenetic location: 1q32.2.
Variant type: single nucleotide variant.
Coding change: c.457C>T on transcript NM_172362.3 (MANE Select); coding-DNA position 457, C replaced by T.
Protein change: p.Arg153Trp; replaces arginine 153 with tryptophan.
Molecular consequence: missense variant.
Genome position (GRCh38, 1-based): chr1:211,082,881, G>A on the plus strand (C>T on the coding strand, the complement: KCNH1 is on the minus strand). VCF-style: chr1-211082881-G-A. GRCh37 (hg19) VCF-style: chr1-211256223-G-A.
Other names: c.457C>T, p.Arg153Trp (NM_002238.4); short protein forms R153W.
Identifiers: ClinVar variation 2711135 (VCV002711135.3), dbSNP rs1049229741, ClinGen allele CA37156741.
Genomic context (GRCh38, chr1:211,082,881, plus strand): 5'-GCACGCTTGGAGCCAGCTGCTGCAGGACACCCCTGCTGCTTGTCAGTGCTCTTGTCAGCC[G>A]AGCAAACTTCCCCCAGCCTGAAGCAAGTGGAAGAGTGAAAAGACAGGGTCAACCACATCC-3'
Protein context (NP_758872.1, residues 143-163): DSCKGWGKFA[Arg153Trp]LTRALTSSRG

ClinVar aggregate classification (germline): Uncertain significance (1 of 4 stars; one submission).

Submission:

Labcorp Genetics (formerly Invitae), Labcorp
Classification: Uncertain significance. Last evaluated: 2024-01-24. Review status: criteria provided, single submitter. Criteria: Invitae Variant Classification Sherloc (09022015). Collection method: clinical testing. Allele origin: germline.
Comment: This sequence change replaces arginine, which is basic and polar, with tryptophan, which is neutral and slightly polar, at codon 153 of the KCNH1 protein (p.Arg153Trp). This variant is not present in population databases (gnomAD no frequency). This variant has not been reported in the literature in individuals affected with KCNH1-related conditions. Advanced modeling of protein sequence and biophysical properties (such as structural, functional, and spatial information, amino acid conservation, physicochemical variation, residue mobility, and thermodynamic stability) performed at Invitae indicates that this missense variant is expected to disrupt KCNH1 protein function with a positive predictive value of 95%. In summary, the available evidence is currently insufficient to determine the role of this variant in disease. Therefore, it has been classified as a Variant of Uncertain Significance.